The following is an entry in ClinVar:

ClinVar aggregate classification (germline): Benign/Likely benign. Review status: criteria provided, multiple submitters, no conflicts (2 of 4 stars). 9 submissions from 9 submitters: Benign (8); Likely benign (1). Last evaluated 2026-01-27.

Conditions:
Nephrotic syndrome, type 3 (NPHS3). Also called: NEPHROTIC SYNDROME, EARLY-ONSET, TYPE 3. Identifiers: Orphanet 656, MedGen C1853124, MONDO:0012546, OMIM 610725.
Focal segmental glomerulosclerosis (FSGS). Also called: Glomerulosclerosis, focal; Focal sclerosis with hyalinosis. Identifiers: MedGen C0017668, MONDO:0100313, HP:0000097. Disease mechanism: loss of function.

Allele frequency attached by ClinVar (database versions not stated): 1000 Genomes Project 30x 0.03248; gnomAD exomes 0.00552 and 0.00944; ExAC 0.01032; ESP Exome Variant Server 0.02277; gnomAD 0.02363 and 0.02481; TOPMed 0.02703; 1000 Genomes Project 0.03015.
gnomAD v4.1: 12,082 of 1,614,042 alleles (0.75%); highest among the groups gnomAD compares: African/African-American, 6.9%; 223 homozygotes.

Submissions (9):

Labcorp Genetics (formerly Invitae), Labcorp
Classification: Benign. Last evaluated: 2026-01-27. Review status: criteria provided, single submitter. Criteria: Invitae Variant Classification Sherloc (09022015). Collection method: clinical testing. Allele origin: germline.

Blueprint Genetics
Classification: Likely benign. Last evaluated: 2024-11-27. Review status: criteria provided, single submitter. Criteria: ACMG Guidelines, 2015. Collection method: clinical testing. Allele origin: germline.

Mayo Clinic Laboratories, Mayo Clinic
Classification: Benign. Last evaluated: 2022-03-09. Review status: criteria provided, single submitter. Criteria: ACMG Guidelines, 2015. Collection method: clinical testing. Allele origin: germline. Observed: 5 variant alleles.

Genome Diagnostics Laboratory, The Hospital for Sick Children
Classification: Benign for Focal segmental glomerulosclerosis. Last evaluated: 2021-09-08. Review status: criteria provided, single submitter. Criteria: ACMG Guidelines, 2015. Collection method: clinical testing. Allele origin: germline.

Fulgent Genetics
Classification: Benign for Nephrotic syndrome, type 3. Last evaluated: 2021-07-19. Review status: criteria provided, single submitter. Criteria: ACMG Guidelines, 2015. Collection method: clinical testing. Allele origin: unknown.

GeneDx
Classification: Benign. Last evaluated: 2018-11-12. Review status: criteria provided, single submitter. Criteria: GeneDx Variant Classification Process June 2021. Collection method: clinical testing. Allele origin: germline. Affected: yes.

Illumina Laboratory Services, Illumina
Classification: Benign for Nephrotic syndrome, type 3. Last evaluated: 2018-01-12. Review status: criteria provided, single submitter. Criteria: ICSL Variant Classification Criteria 13 December 2019. Collection method: clinical testing. Allele origin: germline.
Comment: This variant was observed in the ICSL laboratory as part of a predisposition screen in an ostensibly healthy population. It had not been previously curated by ICSL or reported in the Human Gene Mutation Database (HGMD: prior to June 1st, 2018), and was therefore a candidate for classification through an automated scoring system. Utilizing variant allele frequency, disease prevalence and penetrance estimates, and inheritance mode, an automated score was calculated to assess if this variant is too frequent to cause the disease. Based on the score and internal cut-off values, a variant classified as benign is not then subjected to further curation. The score for this variant resulted in a classification of benign for this disease.

Breakthrough Genomics
Classification: Benign. Review status: criteria provided, single submitter. Criteria: ACMG Guidelines, 2015. Collection method: not provided. Allele origin: germline. Inheritance: Autosomal recessive inheritance. Affected: yes.

PreventionGenetics, part of Exact Sciences
Classification: Benign. Review status: criteria provided, single submitter. Criteria: ACMG Guidelines, 2015. Collection method: clinical testing. Allele origin: germline.

NM_016341.4(PLCE1):c.3132C>T (p.His1044=)

Gene: PLCE1 (phospholipase C epsilon 1; plus strand). Cytogenetic location: 10q23.33.
Variant type: single nucleotide variant.
Coding change: c.3132C>T on transcript NM_016341.4 (MANE Select); coding-DNA position 3132, C replaced by T.
Protein change: p.His1044=; no amino-acid change (histidine 1044 retained).
Molecular consequence: synonymous variant.
Genome position (GRCh38, 1-based): chr10:94,252,351, C>T. VCF-style: chr10-94252351-C-T. GRCh37 (hg19) VCF-style: chr10-96012108-C-T.
Other names: p.His1044=; c.2208C>T, p.His736= (NM_001165979.2); c.3132C>T, p.His1044= (NM_001288989.2).
Identifiers: ClinVar variation 260717 (VCV000260717.21), dbSNP rs61732522, ClinGen allele CA5612784.